The following is an entry in ClinVar:

NM_007315.4(STAT1):c.2134G>A (p.Val712Ile)

Gene: STAT1 (signal transducer and activator of transcription 1; minus strand). Cytogenetic location: 2q32.2.
Variant type: single nucleotide variant.
Coding change: c.2134G>A on transcript NM_007315.4 (MANE Select); coding-DNA position 2134, G replaced by A.
Protein change: p.Val712Ile; replaces valine 712 with isoleucine.
Molecular consequence: missense variant. On other transcripts: intron variant (1).
Genome position (GRCh38, 1-based): chr2:190,975,813, C>T on the plus strand (G>A on the coding strand, the complement: STAT1 is on the minus strand). VCF-style: chr2-190975813-C-T. GRCh37 (hg19) VCF-style: chr2-191840539-C-T.
Other names: c.2074G>A, p.Val692Ile (NM_001384880.1); c.2140G>A, p.Val714Ile (NM_001384881.1); c.2128G>A, p.Val710Ile (NM_001384882.1); c.2035G>A, p.Val679Ile (NM_001384883.1); c.1975G>A, p.Val659Ile (NM_001384885.1); c.2158G>A, p.Val720Ile (NM_001384886.1); c.2041G>A, p.Val681Ile (NM_001384887.1); c.2104G>A, p.Val702Ile (NM_001384888.1); and 5 more; short protein forms V682I, V702I, V710I, V712I, V714I, V681I, V712M, V724I.
Identifiers: ClinVar variation 2086767 (VCV002086767.4), dbSNP rs546323205, ClinGen allele CA349911809.

ClinVar aggregate classification (germline): Uncertain significance (1 of 4 stars; one submission).

Conditions:
Immunodeficiency 31B. Also called: STAT1 DEFICIENCY, AUTOSOMAL RECESSIVE; IMMUNODEFICIENCY 31B, MYCOBACTERIAL AND VIRAL INFECTIONS, AUTOSOMAL RECESSIVE. Identifiers: Orphanet 391311, MedGen C3151088, MONDO:0013427, OMIM 613796.
Autoimmune enteropathy and endocrinopathy - susceptibility to chronic infections syndrome. Also called: Immunodeficiency 31C; Immunodeficiency 31C, autosomal dominant. Identifiers: Orphanet 391487, MedGen C3279990, MONDO:0013599, OMIM 614162.
Mendelian susceptibility to mycobacterial diseases due to partial STAT1 deficiency. Also called: IMMUNODEFICIENCY 31A, MYCOBACTERIOSIS, AUTOSOMAL DOMINANT; Immunodeficiency 31a; STAT1 DEFICIENCY, AUTOSOMAL DOMINANT. Identifiers: Orphanet 319595, MedGen C4013950, MONDO:0013956, OMIM 614892.

Submission:

Labcorp Genetics (formerly Invitae), Labcorp
Classification: Uncertain significance for Mendelian susceptibility to mycobacterial diseases due to partial STAT1 deficiency; Immunodeficiency 31B; Autoimmune enteropathy and endocrinopathy - susceptibility to chronic infections syndrome. Last evaluated: 2024-02-24. Review status: criteria provided, single submitter. Criteria: Invitae Variant Classification Sherloc (09022015). Collection method: clinical testing. Allele origin: germline.
Comment: This sequence change replaces valine, which is neutral and non-polar, with isoleucine, which is neutral and non-polar, at codon 712 of the STAT1 protein (p.Val712Ile). This variant is not present in population databases (gnomAD no frequency). This variant has not been reported in the literature in individuals affected with STAT1-related conditions. ClinVar contains an entry for this variant (Variation ID: 2086767). An algorithm developed to predict the effect of missense changes on protein structure and function (PolyPhen-2) suggests that this variant is likely to be tolerated. In summary, the available evidence is currently insufficient to determine the role of this variant in disease. Therefore, it has been classified as a Variant of Uncertain Significance.